The following is an entry in ClinVar:

ClinVar aggregate classification (germline): Conflicting classifications of pathogenicity. Review status: criteria provided, conflicting classifications (1 of 4 stars). 5 submissions from 5 submitters: Uncertain significance (1); Likely benign (3). 1 of the submissions does not count toward it. Last evaluated 2024-11-05.

Conditions:
Rubinstein-Taybi syndrome due to EP300 haploinsufficiency. Also called: EP300-Related Rubinstein-Taybi Syndrome; RUBINSTEIN-TAYBI SYNDROME 2. Identifiers: Orphanet 353284, Orphanet 783, MedGen C3150941, MONDO:0013364, OMIM 613684.
EP300-related disorder. Also called: EP300-related condition; EP300-related disorders.

Allele frequency attached by ClinVar (database versions not stated): gnomAD 0.00009 and 0.00011; gnomAD exomes 0.00009 and 0.00024; ExAC 0.00011; TOPMed 0.00013; 1000 Genomes Project 30x 0.00016; 1000 Genomes Project 0.00020.
gnomAD v4.1: 373 of 1,614,054 alleles (0.023%); highest among the groups gnomAD compares: South Asian, 0.042%; no homozygotes.

Submissions (5):

Blueprint Genetics
Classification: Likely benign. Last evaluated: 2024-11-05. Review status: criteria provided, single submitter. Criteria: ACMG Guidelines, 2015. Collection method: clinical testing. Allele origin: germline.

Labcorp Genetics (formerly Invitae), Labcorp
Classification: Likely benign for Rubinstein-Taybi syndrome due to EP300 haploinsufficiency. Last evaluated: 2024-04-02. Review status: criteria provided, single submitter. Criteria: Invitae Variant Classification Sherloc (09022015). Collection method: clinical testing. Allele origin: germline.

GeneDx
Classification: Likely benign. Last evaluated: 2020-11-14. Review status: criteria provided, single submitter. Criteria: GeneDx Variant Classification Process June 2021. Collection method: clinical testing. Allele origin: germline. Affected: yes.

Eurofins Ntd Llc (ga)
Classification: Uncertain significance. Last evaluated: 2017-06-19. Review status: criteria provided, single submitter. Criteria: EGL Classification Definitions 2015. Collection method: clinical testing. Allele origin: germline. Observed: 1 variant allele, 1 heterozygote.

PreventionGenetics, part of Exact Sciences
Classification: Likely benign for EP300-related condition. Last evaluated: 2023-10-02. Review status: no assertion criteria provided. Collection method: clinical testing. Allele origin: germline. Not counted in ClinVar's aggregate classification.
Comment: This variant is classified as likely benign based on ACMG/AMP sequence variant interpretation guidelines (Richards et al. 2015 PMID: 25741868, with internal and published modifications).

NM_001429.4(EP300):c.6315C>T (p.Gly2105=)

Gene: EP300 (EP300 lysine acetyltransferase; plus strand). Cytogenetic location: 22q13.2.
Variant type: single nucleotide variant.
Coding change: c.6315C>T on transcript NM_001429.4 (MANE Select); coding-DNA position 6315, C replaced by T.
Protein change: p.Gly2105=; no amino-acid change (glycine 2105 retained).
Molecular consequence: synonymous variant.
Genome position (GRCh38, 1-based): chr22:41,178,026, C>T. VCF-style: chr22-41178026-C-T. GRCh37 (hg19) VCF-style: chr22-41574030-C-T.
Other names: c.6237C>T, p.Gly2079= (NM_001362843.2).
Identifiers: ClinVar variation 502214 (VCV000502214.24), dbSNP rs528866215, ClinGen allele CA10253824.